The following is an entry in ClinVar:

ClinVar aggregate classification (germline): Uncertain significance (1 of 4 stars; one submission).

Submission:

GeneDx
Classification: Uncertain significance. Last evaluated: 2026-02-06. Review status: criteria provided, single submitter. Criteria: GeneDx Variant Classification Process June 2021. Collection method: clinical testing. Allele origin: germline.
Comment: Not observed at significant frequency in large population cohorts (gnomAD); In silico analysis supports a deleterious effect on splicing; Has not been previously published as pathogenic or benign to our knowledge

NM_018489.3(ASH1L):c.7981+5G>A

Gene: ASH1L (ASH1 like histone lysine methyltransferase; minus strand). Cytogenetic location: 1q22.
Variant type: single nucleotide variant.
Coding change: c.7981+5G>A on transcript NM_018489.3 (MANE Select); 5 bases into the intron after coding-DNA position 7981, G replaced by A.
Molecular consequence: intron variant.
Genome position (GRCh38, 1-based): chr1:155,344,178, C>T on the plus strand (G>A on the coding strand, the complement: ASH1L is on the minus strand). VCF-style: chr1-155344178-C-T. GRCh37 (hg19) VCF-style: chr1-155313969-C-T.
Other names: c.7996+5G>A (NM_001366177.2).
Identifiers: ClinVar variation 4975744 (VCV004975744.1).